The following is an entry in ClinVar:

NM_003803.4(MYOM1):c.2346G>C (p.Lys782Asn)

Gene: MYOM1 (myomesin 1; minus strand). Cytogenetic location: 18p11.31.
Variant type: single nucleotide variant.
Coding change: c.2346G>C on transcript NM_003803.4 (MANE Select); coding-DNA position 2346, G replaced by C.
Protein change: p.Lys782Asn; replaces lysine 782 with asparagine.
Molecular consequence: missense variant.
Genome position (GRCh38, 1-based): chr18:3,134,688, C>G on the plus strand (G>C on the coding strand, the complement: MYOM1 is on the minus strand). VCF-style: chr18-3134688-C-G. GRCh37 (hg19) VCF-style: chr18-3134686-C-G.
Other names: c.2346G>C, p.Lys782Asn (NM_019856.2); short protein forms K782N.
Identifiers: ClinVar variation 1508222 (VCV001508222.8), dbSNP rs371797353, ClinGen allele CA401712525.

ClinVar aggregate classification (germline): Uncertain significance (1 of 4 stars; one submission).

Conditions:
Hypertrophic cardiomyopathy. Also called: HYPERTROPHIC MYOCARDIOPATHY. Identifiers: Orphanet 217569, MedGen C0007194, MeSH D002312, MONDO:0005045, HP:0001639.

Submission:

Labcorp Genetics (formerly Invitae), Labcorp
Classification: Uncertain significance for Hypertrophic cardiomyopathy. Last evaluated: 2021-07-13. Review status: criteria provided, single submitter. Criteria: Invitae Variant Classification Sherloc (09022015). Collection method: clinical testing. Allele origin: germline.
Comment: This variant has not been reported in the literature in individuals with MYOM1-related conditions. This sequence change replaces lysine with asparagine at codon 782 of the MYOM1 protein (p.Lys782Asn). The lysine residue is weakly conserved and there is a moderate physicochemical difference between lysine and asparagine. This variant is not present in population databases (ExAC no frequency). Algorithms developed to predict the effect of missense changes on protein structure and function (SIFT, PolyPhen-2, Align-GVGD) all suggest that this variant is likely to be tolerated, but these predictions have not been confirmed by published functional studies and their clinical significance is uncertain. In summary, the available evidence is currently insufficient to determine the role of this variant in disease. Therefore, it has been classified as a Variant of Uncertain Significance.